The following is an entry in ClinVar:

ClinVar aggregate classification (germline): Uncertain significance (1 of 4 stars; one submission).

Allele frequency attached by ClinVar (database versions not stated): gnomAD exomes below 0.00001.
gnomAD v4.1: 5 of 1,611,760 alleles (0.00031%); highest among the groups gnomAD compares: Non-Finnish European, 0.00025%; no homozygotes.

Submission:

Women's Health and Genetics/Laboratory Corporation of America, LabCorp
Classification: Uncertain significance. Last evaluated: 2023-05-30. Review status: criteria provided, single submitter. Criteria: LabCorp Variant Classification Summary - May 2015. Collection method: clinical testing. Allele origin: germline.
Comment: Variant summary: CACNA1A c.2273C>G (p.Ser758Cys) results in a non-conservative amino acid change in the encoded protein sequence. Five of five in-silico tools predict a damaging effect of the variant on protein function. The variant was absent in 249298 control chromosomes (gnomAD). The available data on variant occurrences in the general population are insufficient to allow any conclusion about variant significance. To our knowledge, no occurrence of c.2273C>G in individuals affected with Epileptic Encephalopathy, Early Infantile, 42 and no experimental evidence demonstrating its impact on protein function have been reported. No clinical diagnostic laboratories have submitted clinical-significance assessments for this variant to ClinVar after 2014. Based on the evidence outlined above, the variant was classified as uncertain significance.

NM_001127222.2(CACNA1A):c.2270C>G (p.Ser757Cys)

Gene: CACNA1A (calcium voltage-gated channel subunit alpha1 A; minus strand). Cytogenetic location: 19p13.13.
Variant type: single nucleotide variant.
Coding change: c.2270C>G on transcript NM_001127222.2 (MANE Select); coding-DNA position 2270, C replaced by G.
Protein change: p.Ser757Cys; replaces serine 757 with cysteine.
Molecular consequence: missense variant.
Genome position (GRCh38, 1-based): chr19:13,300,559, G>C on the plus strand (C>G on the coding strand, the complement: CACNA1A is on the minus strand). VCF-style: chr19-13300559-G-C. GRCh37 (hg19) VCF-style: chr19-13411373-G-C.
Other names: c.2282C>G, p.Ser761Cys (NM_000068.4, NM_023035.3); c.2273C>G, p.Ser758Cys (NM_001127221.2, NM_001174080.2); short protein forms S757C, S758C, S761C.
Identifiers: ClinVar variation 2506248 (VCV002506248.1), dbSNP rs2512918177, ClinGen allele CA404343842.